The following is an entry in ClinVar:

NM_144643.4(SCLT1):c.1495T>C (p.Leu499=)

Gene: SCLT1 (sodium channel and clathrin linker 1; minus strand). Cytogenetic location: 4q28.2.
Variant type: single nucleotide variant.
Coding change: c.1495T>C on transcript NM_144643.4 (MANE Select); coding-DNA position 1495, T replaced by C.
Protein change: p.Leu499=; no amino-acid change (leucine 499 retained).
Molecular consequence: synonymous variant. On other transcripts: intron variant (1).
Genome position (GRCh38, 1-based): chr4:128,943,133, A>G on the plus strand (T>C on the coding strand, the complement: SCLT1 is on the minus strand). VCF-style: chr4-128943133-A-G. GRCh37 (hg19) VCF-style: chr4-129864288-A-G.
Other names: c.1495T>C (NM_144643.3); c.1439+2874T>C (NM_001410807.1).
Identifiers: ClinVar variation 4764543 (VCV004764543.2).

ClinVar aggregate classification (germline): Likely benign. Review status: criteria provided, multiple submitters, no conflicts (2 of 4 stars). 2 submissions from 2 submitters: Likely benign (2). Last evaluated 2025-09-24.

Conditions:
SCLT1-related disorder. Also called: SCLT1-related condition.

gnomAD v4.1: 5 of 1,612,172 alleles (0.00031%); highest among the groups gnomAD compares: South Asian, 0.0022%; no homozygotes.

Submissions (2):

PreventionGenetics, part of Exact Sciences
Classification: Likely benign for SCLT1-related condition. Last evaluated: 2025-09-24. Review status: criteria provided, single submitter. Criteria: ACMG Guidelines, 2015. Collection method: clinical testing. Allele origin: germline.
Comment: This variant is classified as likely benign based on ACMG/AMP sequence variant interpretation guidelines (Richards et al. 2015 PMID: 25741868, with internal and published modifications).

Labcorp Genetics (formerly Invitae), Labcorp
Classification: Likely benign. Last evaluated: 2025-09-14. Review status: criteria provided, single submitter. Criteria: Invitae Variant Classification Sherloc (09022015). Collection method: clinical testing. Allele origin: germline.